The following is an entry in ClinVar:

ClinVar aggregate classification (germline): Pathogenic (1 of 4 stars; one submission).

Conditions:
Inborn genetic diseases. Identifiers: MedGen C0950123, MeSH D030342.

Submission:

Ambry Genetics
Classification: Pathogenic for Inborn genetic diseases. Last evaluated: 2022-05-11. Review status: criteria provided, single submitter. Criteria: Ambry Variant Classification Scheme 2023. Collection method: clinical testing. Allele origin: germline.
Comment: The c.683C>A (p.S228*) alteration, located in exon 8 (coding exon 7) of the CNOT2 gene, consists of a C to A substitution at nucleotide position 683. This changes the amino acid from a serine (S) to a stop codon at amino acid position 228. This alteration is expected to result in loss of function by premature protein truncation or nonsense-mediated mRNA decay. This variant was not reported in population-based cohorts in the Genome Aggregation Database (gnomAD). Based on the available evidence, this alteration is classified as pathogenic.

NM_014515.7(CNOT2):c.683C>A (p.Ser228Ter)

Gene: CNOT2 (CCR4-NOT transcription complex subunit 2; plus strand). Cytogenetic location: 12q15.
Variant type: single nucleotide variant.
Coding change: c.683C>A on transcript NM_014515.7 (MANE Select); coding-DNA position 683, C replaced by A.
Protein change: p.Ser228Ter; replaces serine 228 with a stop codon.
Molecular consequence: nonsense. On other transcripts: non-coding transcript variant (1).
Genome position (GRCh38, 1-based): chr12:70,335,471, C>A. VCF-style: chr12-70335471-C-A. GRCh37 (hg19) VCF-style: chr12-70729251-C-A.
Other names: c.683C>A, p.Ser228Ter (NM_001199302.2, NM_001199303.2, NM_001414651.1 and 1 more transcripts); c.656C>A, p.Ser219Ter (NM_001414653.1, NM_001414654.1, NM_001414655.1); c.641C>A, p.Ser214Ter (NM_001414656.1); c.623C>A, p.Ser208Ter (NM_001414657.1, NM_001414658.1, NM_001414659.1 and 1 more transcripts); c.560C>A, p.Ser187Ter (NM_001414661.1); c.500C>A, p.Ser167Ter (NM_001414662.1); short protein forms S187*, S219*, S208*, S167*, S214*, S228*.
Identifiers: ClinVar variation 3146607 (VCV003146607.1), dbSNP rs2499156703, ClinGen allele CA385909292.